The following is an entry in ClinVar:

ClinVar aggregate classification (germline): Uncertain significance (1 of 4 stars; one submission).

Conditions:
Cataract 13 with adult I phenotype. Identifiers: Orphanet 91492, MedGen C3805373, MONDO:0007289, OMIM 116700.

gnomAD v4.1: 1 of 1,613,352 alleles (0.000062%); highest among the groups gnomAD compares: Non-Finnish European, 0.000085%; no homozygotes.

Submission:

Labcorp Genetics (formerly Invitae), Labcorp
Classification: Uncertain significance for Cataract 13 with adult I phenotype. Last evaluated: 2023-09-06. Review status: criteria provided, single submitter. Criteria: Invitae Variant Classification Sherloc (09022015). Collection method: clinical testing. Allele origin: germline.
Comment: In summary, the available evidence is currently insufficient to determine the role of this variant in disease. Therefore, it has been classified as a Variant of Uncertain Significance. Advanced modeling of protein sequence and biophysical properties (such as structural, functional, and spatial information, amino acid conservation, physicochemical variation, residue mobility, and thermodynamic stability) performed at Invitae indicates that this missense variant is expected to disrupt GCNT2 protein function. This missense change has been observed in individual(s) with congenital cataracts (Invitae). In at least one individual the data is consistent with being in trans (on the opposite chromosome) from a pathogenic variant. This variant is not present in population databases (gnomAD no frequency). This sequence change replaces proline, which is neutral and non-polar, with leucine, which is neutral and non-polar, at codon 372 of the GCNT2 protein (p.Pro372Leu).

NM_145649.5(GCNT2):c.1121C>T (p.Pro374Leu)

Gene: GCNT2 (glucosaminyl (N-acetyl) transferase 2 (I blood group); plus strand). Cytogenetic location: 6p24.2.
Variant type: single nucleotide variant.
Coding change: c.1121C>T on transcript NM_145649.5 (MANE Select); coding-DNA position 1121, C replaced by T.
Protein change: p.Pro374Leu; replaces proline 374 with leucine.
Molecular consequence: missense variant.
Genome position (GRCh38, 1-based): chr6:10,626,519, C>T. VCF-style: chr6-10626519-C-T. GRCh37 (hg19) VCF-style: chr6-10626752-C-T.
Other names: c.1121C>T, p.Pro374Leu (NM_001374747.1, NM_145655.4); c.1115C>T, p.Pro372Leu (NM_001491.3); short protein forms P374L, P372L.
Identifiers: ClinVar variation 2867950 (VCV002867950.3), dbSNP rs2533103312, ClinGen allele CA362711287.
Genomic context (GRCh38, chr6:10,626,519, plus strand): 5'-TAAAGTGGCTGGTTAATTCACCAAGCCTGTTTGCTAACAAGTTTGAGCTTAATACCTACC[C>T]CCTTACTGTGGAATGCCTAGAACTGAGGCATCGCGAAAGAACCCTCAATCAGAGTGAAAC-3'
Protein context (NP_663624.1, residues 364-384): FANKFELNTY[Pro374Leu]LTVECLELRH